The following is an entry in ClinVar:

NM_001365951.3(KIF1B):c.1147C>A (p.Leu383Ile)

Gene: KIF1B (kinesin family member 1B; plus strand). Cytogenetic location: 1p36.22.
Variant type: single nucleotide variant.
Coding change: c.1147C>A on transcript NM_001365951.3 (MANE Select); coding-DNA position 1147, C replaced by A.
Protein change: p.Leu383Ile; replaces leucine 383 with isoleucine.
Molecular consequence: missense variant.
Genome position (GRCh38, 1-based): chr1:10,278,095, C>A. VCF-style: chr1-10278095-C-A. GRCh37 (hg19) VCF-style: chr1-10338153-C-A.
Other names: c.1147C>A, p.Leu383Ile (NM_001365952.1); c.1129C>A, p.Leu377Ile (NM_001365953.1, NM_015074.3, NM_183416.4); short protein forms L383I, L377I.
Identifiers: ClinVar variation 3534004 (VCV003534004.1).

ClinVar aggregate classification (germline): Uncertain significance (1 of 4 stars; one submission).

Submission:

Ambry Genetics
Classification: Uncertain significance. Last evaluated: 2024-09-04. Review status: criteria provided, single submitter. Criteria: Ambry Variant Classification Scheme 2023. Collection method: clinical testing. Allele origin: germline.
Comment: The p.L377I variant (also known as c.1129C>A), located in coding exon 11 of the KIF1B gene, results from a C to A substitution at nucleotide position 1129. The leucine at codon 377 is replaced by isoleucine, an amino acid with highly similar properties. This amino acid position is conserved. In addition, the in silico prediction for this alteration is inconclusive. Based on the available evidence, the clinical significance of this variant remains unclear.